The following is an entry in ClinVar:

ClinVar aggregate classification (germline): Uncertain significance (1 of 4 stars; one submission).

Submission:

Labcorp Genetics (formerly Invitae), Labcorp
Classification: Uncertain significance. Last evaluated: 2022-04-01. Review status: criteria provided, single submitter. Criteria: Invitae Variant Classification Sherloc (09022015). Collection method: clinical testing. Allele origin: germline.
Comment: Experimental studies and prediction algorithms are not available or were not evaluated, and the functional significance of this variant is currently unknown. In summary, the available evidence is currently insufficient to determine the role of this variant in disease. Therefore, it has been classified as a Variant of Uncertain Significance. This variant has not been reported in the literature in individuals affected with RELB-related conditions. This variant is a gross deletion of the genomic region encompassing exon(s) 3-4 of the RELB gene. This deletion is out-of-frame, and is expected to create a premature translational stop signal and result in an absent or disrupted protein product. However, the current clinical and genetic evidence is not sufficient to establish whether loss-of-function variants in RELB cause disease.

NC_000019.9:g.(?_45513052)_(45515554_?)del

Gene: RELB (RELB proto-oncogene, NF-kB subunit; plus strand). Cytogenetic location: 19q13.32.
Variant type: Deletion.
Identifiers: ClinVar variation 2425599 (VCV002425599.4).